The following is an entry in ClinVar:

ClinVar aggregate classification (germline): Likely pathogenic (1 of 4 stars; one submission).

Conditions:
Duchenne muscular dystrophy (DMD). Also called: Duchenne Muscular Dystrophy (DMD); MUSCULAR DYSTROPHY, PSEUDOHYPERTROPHIC PROGRESSIVE, DUCHENNE TYPE. Identifiers: Orphanet 98896, MedGen C0013264, MONDO:0010679, OMIM 310200.

Submission:

Institute of Human Genetics, University of Leipzig Medical Center
Classification: Likely pathogenic for Duchenne muscular dystrophy. Last evaluated: 2023-04-26. Review status: criteria provided, single submitter. Criteria: ACMG Guidelines, 2015. Collection method: clinical testing. Allele origin: unknown. Affected: yes.
Comment: This variant was identified as hemizygous._x000D_ Criteria applied: PVS1, PM2_SUP

NM_004006.3(DMD):c.4391del (p.Pro1464fs)

Gene: DMD (dystrophin; minus strand). Cytogenetic location: Xp21.1.
Variant type: Deletion.
Coding change: c.4391del on transcript NM_004006.3 (MANE Select); coding-DNA position 4391, one base deleted (C; older notation c.4391delC).
Protein change: p.Pro1464fs; shifts the reading frame from proline 1464.
Molecular consequence: frameshift variant.
Genome position (GRCh38, 1-based): chrX:32,389,628, G deleted on the plus strand (C on the coding strand, the reverse complement: DMD is on the minus strand); the first of 2 consecutive G bases (chrX:32,389,628-32,389,629); deleting either gives the same sequence. VCF-style (leftmost placement, unchanged base first): chrX-32389627-TG-T. GRCh37 (hg19) VCF-style: chrX-32407744-TG-T.
Other names: c.4367del, p.Pro1456fs (NM_000109.4); c.4379del, p.Pro1460fs (NM_004009.3); c.4022del, p.Pro1341fs (NM_004010.3); c.368del, p.Pro123fs (NM_004011.4); c.359del, p.Pro120fs (NM_004012.4); short protein forms P120fs, P123fs, P1341fs, P1456fs, P1460fs, P1464fs.
Identifiers: ClinVar variation 2502352 (VCV002502352.1), dbSNP rs2523118310, ClinGen allele CA2580616936.